The following is an entry in ClinVar:

ClinVar aggregate classification (germline): Pathogenic (1 of 4 stars; one submission).

Submission:

Quest Diagnostics Nichols Institute San Juan Capistrano
Classification: Pathogenic. Last evaluated: 2026-06-05. Review status: criteria provided, single submitter. Criteria: ACMG/ClinGen CNV Guidelines, 2019. Collection method: clinical testing. Allele origin: unknown.
Comment: This copy number loss involves at least six protein-coding genes, including PMS2 (OMIM 600259). Haploinsufficiency of PMS2 is associated with hereditary nonpolyposis colorectal cancer 4 or Lynch syndrome 4 (OMIM 614337; CCID:007688; Idos 2021). Similar deletions have been reported in Lynch syndrome families (Wernstedt 2012).

Literature cited by the submitters: PubMed 20301390; PubMed 22585707.

GRCh37/hg19 7p22.1(chr7:5832633-6065236)x1

Genes: OCM (oncomodulin; plus strand), AIMP2 (aminoacyl tRNA synthetase complex interacting multifunctional protein 2; plus strand), CCZ1 (CCZ1 vacuolar protein trafficking and biogenesis associated; plus strand), EIF2AK1 (eukaryotic translation initiation factor 2 alpha kinase 1; minus strand), PMS2 (PMS1 homolog 2, mismatch repair system component; minus strand) and 1 more. Cytogenetic location: 7p22.1.
Variant type: copy number loss.
Change: copy number 1 (one copy instead of two) of chr7:5,832,633-6,065,236 (232.6 kb, GRCh37 coordinates, 1-based), cytogenetic band 7p22.1.
Identifiers: ClinVar variation 1808353 (VCV001808353.2).